The following is an entry in ClinVar:

ClinVar aggregate classification (germline): Conflicting classifications of pathogenicity. Review status: criteria provided, conflicting classifications (1 of 4 stars). 6 submissions from 6 submitters: Uncertain significance (1); Likely benign (5). Last evaluated 2025-09-20.

Conditions:
Cardiovascular phenotype. Identifiers: MedGen CN230736.
Telangiectasia, hereditary hemorrhagic, type 2 (HHT2). Also called: Telangiectasia, hereditary hemorrhagic, type II; ACVRL1-Related Hereditary Hemorrhagic Telangiectasia. Identifiers: Orphanet 774, MedGen C1838163, MONDO:0010880, OMIM 600376. Disease mechanism: loss of function.
ACVRL1-related disorder. Also called: ACVRL1-related condition; ACVRL1-related disorders.

Allele frequency attached by ClinVar (database versions not stated): TOPMed 0.00008; gnomAD 0.00009.
gnomAD v4.1: 127 of 1,614,022 alleles (0.0079%); highest among the groups gnomAD compares: Middle Eastern, 0.18%; no homozygotes.

Submissions (6):

Labcorp Genetics (formerly Invitae), Labcorp
Classification: Likely benign for Telangiectasia, hereditary hemorrhagic, type 2. Last evaluated: 2025-09-20. Review status: criteria provided, single submitter. Criteria: Invitae Variant Classification Sherloc (09022015). Collection method: clinical testing. Allele origin: germline.

PreventionGenetics, part of Exact Sciences
Classification: Likely benign for ACVRL1-related condition. Last evaluated: 2025-06-16. Review status: criteria provided, single submitter. Criteria: ACMG Guidelines, 2015. Collection method: clinical testing. Allele origin: germline.
Comment: This variant is classified as likely benign based on ACMG/AMP sequence variant interpretation guidelines (Richards et al. 2015 PMID: 25741868, with internal and published modifications).

Ambry Genetics
Classification: Likely benign for Cardiovascular phenotype. Last evaluated: 2025-01-07. Review status: criteria provided, single submitter. Criteria: Ambry Variant Classification Scheme 2023. Collection method: clinical testing. Allele origin: germline.

CeGaT Center for Human Genetics Tuebingen
Classification: Likely benign. Last evaluated: 2024-10-01. Review status: criteria provided, single submitter. Criteria: CeGaT Center For Human Genetics Tuebingen Variant Classification Criteria Version 2. Collection method: clinical testing. Allele origin: germline. Affected: yes. Observed: 2 variant alleles.
Comment: ACVRL1: BP4, BP7

Blueprint Genetics
Classification: Likely benign. Last evaluated: 2024-07-29. Review status: criteria provided, single submitter. Criteria: ACMG Guidelines, 2015. Collection method: clinical testing. Allele origin: germline.

Illumina Laboratory Services, Illumina
Classification: Uncertain significance for Telangiectasia, hereditary hemorrhagic, type 2. Last evaluated: 2018-01-12. Review status: criteria provided, single submitter. Criteria: ICSL Variant Classification Criteria 13 December 2019. Collection method: clinical testing. Allele origin: germline.

NM_000020.3(ACVRL1):c.9G>A (p.Leu3=)

Gene: ACVRL1 (activin A receptor like type 1; plus strand). Cytogenetic location: 12q13.13.
Variant type: single nucleotide variant.
Coding change: c.9G>A on transcript NM_000020.3 (MANE Select); coding-DNA position 9, G replaced by A.
Protein change: p.Leu3=; no amino-acid change (leucine 3 retained).
Molecular consequence: synonymous variant.
Genome position (GRCh38, 1-based): chr12:51,912,483, G>A. VCF-style: chr12-51912483-G-A. GRCh37 (hg19) VCF-style: chr12-52306267-G-A.
Other names: c.9G>A, p.Leu3= (NM_001077401.2).
Identifiers: ClinVar variation 698538 (VCV000698538.42), dbSNP rs779236098, ClinGen allele CA6572778.